The following is an entry in ClinVar:

NM_001042545.2(LTBP4):c.3583G>C (p.Asp1195His)

Gene: LTBP4 (latent transforming growth factor beta binding protein 4; plus strand). Cytogenetic location: 19q13.2.
Variant type: single nucleotide variant.
Coding change: c.3583G>C on transcript NM_001042545.2 (MANE Select); coding-DNA position 3583, G replaced by C.
Protein change: p.Asp1195His; replaces aspartic acid 1195 with histidine.
Molecular consequence: missense variant.
Genome position (GRCh38, 1-based): chr19:40,623,630, G>C. VCF-style: chr19-40623630-G-C. GRCh37 (hg19) VCF-style: chr19-41129535-G-C.
Other names: c.3784G>C, p.Asp1262His (NM_001042544.1); c.3673G>C, p.Asp1225His (NM_003573.2); short protein forms D1195H, D1225H, D1262H.
Identifiers: ClinVar variation 1210464 (VCV001210464.8), dbSNP rs369387310, ClinGen allele CA9449058.

ClinVar aggregate classification (germline): Uncertain significance. Review status: criteria provided, multiple submitters, no conflicts (2 of 4 stars). 2 submissions from 2 submitters: Uncertain significance (2). Last evaluated 2025-11-18.

Allele frequency attached by ClinVar (database versions not stated): gnomAD 0.00002; gnomAD exomes 0.00002 and 0.00004; TOPMed 0.00003; ExAC 0.00008; ESP Exome Variant Server 0.00008.
gnomAD v4.1: 30 of 1,613,632 alleles (0.0019%); highest among the groups gnomAD compares: Non-Finnish European, 0.0023%; no homozygotes.

Submissions (3):

Labcorp Genetics (formerly Invitae), Labcorp
Classification: Uncertain significance. Last evaluated: 2025-11-18. Review status: criteria provided, single submitter. Criteria: Invitae Variant Classification Sherloc (09022015). Collection method: clinical testing. Allele origin: germline.
Comment: This sequence change replaces aspartic acid, which is acidic and polar, with histidine, which is basic and polar, at codon 1225 of the LTBP4 protein (p.Asp1225His). This variant is present in population databases (rs369387310, gnomAD 0.008%). This variant has not been reported in the literature in individuals affected with LTBP4-related conditions. ClinVar contains an entry for this variant (Variation ID: 1210464). Experimental studies and prediction algorithms are not available or were not evaluated, and the functional significance of this variant is currently unknown. In summary, the available evidence is currently insufficient to determine the role of this variant in disease. Therefore, it has been classified as a Variant of Uncertain Significance.

GeneDx
Classification: Uncertain significance. Last evaluated: 2021-06-08. Review status: criteria provided, single submitter. Criteria: GeneDx Variant Classification Process June 2021. Collection method: clinical testing. Allele origin: germline. Affected: yes.
Comment: Not observed at significant frequency in large population cohorts (Lek et al., 2016); In silico analysis supports that this missense variant does not alter protein structure/function; Has not been previously published as pathogenic or benign to our knowledge; This variant is associated with the following publications: (PMID: 27535533)

Dr. Peter K. Rogan Lab, Western University
No classification provided (evidence only). Condition: Sarcoma. Review status: no classification provided. Collection method: in vitro. Allele origin: not applicable. Functional consequence: retained intron. Not counted in ClinVar's aggregate classification.